The following is an entry in ClinVar:

NC_000001.10:g.(?_155581953)_(155582381_?)del

Gene: MSTO1 (misato mitochondrial distribution and morphology regulator 1; plus strand). Cytogenetic location: 1q22.
Variant type: Deletion.
Identifiers: ClinVar variation 3248009 (VCV003248009.1).

ClinVar aggregate classification (germline): Pathogenic (1 of 4 stars; one submission).

Submission:

Labcorp Genetics (formerly Invitae), Labcorp
Classification: Pathogenic. Last evaluated: 2023-08-11. Review status: criteria provided, single submitter. Criteria: Invitae Variant Classification Sherloc (09022015). Collection method: clinical testing. Allele origin: unknown.
Comment: This variant is a gross deletion of the genomic region encompassing exon(s) 8-9 of the MSTO1 gene. This variant would be expected to be in-frame, preserving the integrity of the reading frame. This variant has not been reported in the literature in individuals affected with MSTO1-related conditions. This variant disrupts a region of the MSTO1 protein in which other variant(s) (p.Asp236His) have been determined to be pathogenic (PMID: 31463572). This suggests that this is a clinically significant region of the protein, and that variants that disrupt it are likely to be disease-causing. For these reasons, this variant has been classified as Pathogenic.

Literature cited by the submitters: PubMed 31463572.